The following is an entry in ClinVar:

NM_024312.5(GNPTAB):c.2285T>A (p.Leu762Ter)

Gene: GNPTAB (N-acetylglucosamine-1-phosphate transferase subunits alpha and beta; minus strand). Cytogenetic location: 12q23.2.
Variant type: single nucleotide variant.
Coding change: c.2285T>A on transcript NM_024312.5 (MANE Select); coding-DNA position 2285, T replaced by A.
Protein change: p.Leu762Ter; replaces leucine 762 with a stop codon.
Molecular consequence: nonsense.
Genome position (GRCh38, 1-based): chr12:101,764,632, A>T on the plus strand (T>A on the coding strand, the complement: GNPTAB is on the minus strand). VCF-style: chr12-101764632-A-T. GRCh37 (hg19) VCF-style: chr12-102158410-A-T.
Other names: short protein forms L762*.
Identifiers: ClinVar variation 1726831 (VCV001726831.3), dbSNP rs758558970, ClinGen allele CA386298584.

ClinVar aggregate classification (germline): Likely pathogenic (1 of 4 stars; one submission).

Conditions:
GNPTAB-mucolipidosis. Also called: UDP-N-acetylglucosamine-1-phosphotransferase subunit alpha/beta deficiency. Identifiers: MedGen CN322573, MONDO:0100122.

Submission:

Myriad Genetics, Inc.
Classification: Likely pathogenic for GNPTAB-mucolipidosis. Last evaluated: 2022-01-02. Review status: criteria provided, single submitter. Criteria: Myriad Autosomal Dominant, Autosomal Recessive and X-Linked Classification Criteria (2023). Collection method: clinical testing. Allele origin: unknown.
Comment: NM_024312.4(GNPTAB):c.2285T>A(L762*) is expected to be pathogenic in the context of GNPTAB-related disorders. This variant is predicted to lead to an abnormal or absent protein product due to the creation of a premature termination codon in GNPTAB, a gene where loss-of-function variants are known to be pathogenic. Please note: this variant was assessed in the context of healthy population screening.